The following is an entry in ClinVar:

ClinVar aggregate classification (germline): Conflicting classifications of pathogenicity. Review status: criteria provided, conflicting classifications (1 of 4 stars). 2 submissions from 2 submitters: Likely pathogenic (1); Uncertain significance (1). Last evaluated 2026-10-22.

Conditions:
NPTN-related neurodevelopmental disorder.

Submissions (2):

GeneDx
Classification: Uncertain significance. Last evaluated: 2026-10-22. Review status: criteria provided, single submitter. Criteria: GeneDx Variant Classification Process June 2021. Collection method: clinical testing. Allele origin: germline.
Comment: Nonsense variant predicted to result in protein truncation or nonsense mediated decay in a gene or region of a gene for which loss of function is not a well-established mechanism of disease; Not observed at significant frequency in large population cohorts (gnomAD); This variant is associated with the following publications: (PMID: 42387534)

Institute of Human Genetics, University of Leipzig Medical Center
Classification: Likely pathogenic for NPTN-related neurodevelopmental disorder. Last evaluated: 2025-04-09. Review status: criteria provided, single submitter. Criteria: ACMG Guidelines, 2015. Collection method: research. Allele origin: germline. Inheritance: Autosomal dominant inheritance. Affected: yes.
Comment: Criteria applied: PVS1, PM2_SUP

NM_012428.4(NPTN):c.284C>G (p.Ser95Ter)

Gene: NPTN (neuroplastin; minus strand). Cytogenetic location: 15q24.1.
Variant type: single nucleotide variant.
Coding change: c.284C>G on transcript NM_012428.4 (MANE Select); coding-DNA position 284, C replaced by G.
Protein change: p.Ser95Ter; replaces serine 95 with a stop codon.
Molecular consequence: nonsense. On other transcripts: intron variant (2).
Genome position (GRCh38, 1-based): chr15:73,597,177, G>C on the plus strand (C>G on the coding strand, the complement: NPTN is on the minus strand). VCF-style: chr15-73597177-G-C. GRCh37 (hg19) VCF-style: chr15-73889518-G-C.
Other names: c.284C>G (NM_012428.3); c.284C>G, p.Ser95Ter (NM_001161363.2); c.92-5040C>G (NM_001161364.2, NM_017455.4); short protein forms S95*.
Identifiers: ClinVar variation 3778808 (VCV003778808.3).
Genomic context (GRCh38, chr15:73,597,177, plus strand): 5'-TCGTAAGTCCCAGAGTCCTCCAAGGTGAGCCGGGTTATTCTCAGCACACTCACGCCGTTT[G>C]ACCCGTAGGCGGTGTTTACGGTGACACGGCGCTTCCGAGCACCGTCCCACAGCTGTCTGA-3'